The following is an entry in ClinVar:

NM_001287.6(CLCN7):c.1597T>C (p.Ser533Pro)

Gene: CLCN7 (Cl-/H+ antiporter 7; minus strand). Cytogenetic location: 16p13.3.
Variant type: single nucleotide variant.
Coding change: c.1597T>C on transcript NM_001287.6 (MANE Select); coding-DNA position 1597, T replaced by C.
Protein change: p.Ser533Pro; replaces serine 533 with proline.
Molecular consequence: missense variant.
Genome position (GRCh38, 1-based): chr16:1,450,517, A>G on the plus strand (T>C on the coding strand, the complement: CLCN7 is on the minus strand). VCF-style: chr16-1450517-A-G. GRCh37 (hg19) VCF-style: chr16-1500518-A-G.
Other names: c.1525T>C, p.Ser509Pro (NM_001114331.3); short protein forms S509P, S533P.
Identifiers: ClinVar variation 4281473 (VCV004281473.7).

ClinVar aggregate classification (germline): Uncertain significance (1 of 4 stars; one submission).

gnomAD v4.1: 1 of 1,608,038 alleles (0.000062%); highest among the groups gnomAD compares: Non-Finnish European, 0.000085%; no homozygotes.

Submission:

CeGaT Center for Human Genetics Tuebingen
Classification: Uncertain significance. Last evaluated: 2025-09-01. Review status: criteria provided, single submitter. Criteria: CeGaT Center For Human Genetics Tuebingen Variant Classification Criteria Version 2. Collection method: clinical testing. Allele origin: germline. Affected: yes. Observed: 1 variant allele.
Comment: CLCN7: PM2